The following is an entry in ClinVar:

ClinVar aggregate classification (germline): Conflicting classifications of pathogenicity. Review status: criteria provided, conflicting classifications (1 of 4 stars). 5 submissions from 5 submitters: Uncertain significance (3); Benign (1). 1 of the submissions does not count toward it. Last evaluated 2026-01-18.

Conditions:
COL5A1-related disorder. Also called: COL5A1-related condition.
Fibromuscular dysplasia, multifocal. Identifiers: MedGen C5543412, MONDO:0859151, OMIM 619329.
Ehlers-Danlos syndrome, classic type, 1 (EDSCL1). Also called: Ehlers-Danlos Syndrome, Classic Type, COL5A1-Related; EHLERS-DANLOS SYNDROME, GRAVIS TYPE; EHLERS-DANLOS SYNDROME, SEVERE CLASSIC TYPE; Ehlers-Danlos syndrome, type 1; EDS I. Identifiers: MedGen C0268335, MONDO:0019567, OMIM 130000.
Familial thoracic aortic aneurysm and aortic dissection (TAAD). Also called: Thoracic aortic aneurysms and dissections. Identifiers: Orphanet 91387, MedGen C4707243, MONDO:0019625.

Allele frequency attached by ClinVar (database versions not stated): gnomAD exomes 0.00002 and 0.00004; gnomAD 0.00017 and 0.00019; TOPMed 0.00022; ESP Exome Variant Server 0.00015; ExAC 0.00005.
gnomAD v4.1: 64 of 1,613,628 alleles (0.004%); highest among the groups gnomAD compares: African/African-American, 0.077%; no homozygotes.

Submissions (5):

Labcorp Genetics (formerly Invitae), Labcorp
Classification: Benign for Ehlers-Danlos syndrome, classic type, 1. Last evaluated: 2026-01-18. Review status: criteria provided, single submitter. Criteria: Invitae Variant Classification Sherloc (09022015). Collection method: clinical testing. Allele origin: germline.

GeneDx
Classification: Uncertain significance. Last evaluated: 2023-05-07. Review status: criteria provided, single submitter. Criteria: GeneDx Variant Classification Process June 2021. Collection method: clinical testing. Allele origin: germline. Affected: yes.
Comment: Has not been previously published as pathogenic or benign to our knowledge; In silico analysis supports that this missense variant has a deleterious effect on protein structure/function; Occurs in the triple helical domain at the X position in the canonical Gly-X-Y repeat; although this variant may have an effect on normal protein folding and function, missense substitution at the X position is not a common mechanism of disease (Symoens et al., 2012; HGMD); This variant is associated with the following publications: (PMID: 26608033, 22696272)

Fulgent Genetics
Classification: Uncertain significance for Ehlers-Danlos syndrome, classic type, 1; Fibromuscular dysplasia, multifocal. Last evaluated: 2021-08-11. Review status: criteria provided, single submitter. Criteria: ACMG Guidelines, 2015. Collection method: clinical testing. Allele origin: unknown.

Ambry Genetics
Classification: Uncertain significance for Familial thoracic aortic aneurysm and aortic dissection. Last evaluated: 2016-11-08. Review status: criteria provided, single submitter. Criteria: Ambry Variant Classification Scheme 2023. Collection method: clinical testing. Allele origin: germline.
Comment: The p.P1388S variant (also known as c.4162C>T), located in coding exon 53 of the COL5A1 gene, results from a C to T substitution at nucleotide position 4162. The proline at codon 1388 is replaced by serine, an amino acid with similar properties. This variant has been reported in an Ehlers Danlos syndrome cohort; however, clinical details were limited (Paladin L et al. FEBS Lett., 2015 Dec;589:3871-8). This variant was previously reported in the SNPDatabase as rs61737942. Based on data from ExAC, the T allele has an overall frequency of <0.01% (6/106170). The highest observed frequency was 0.03% (3/9042) of African alleles. Based on data from the NHLBI Exome Sequencing Project (ESP), the T allele has an overall frequency of approximately 0.02% (2/13006) total alleles studied, having been observed in 0.05% (2/4406) African American alleles. This amino acid position is highly conserved in available vertebrate species. In addition, the in silico prediction for this alteration is inconclusive. Since supporting evidence is limited at this time, the clinical significance of this alteration remains unclear.

PreventionGenetics, part of Exact Sciences
Classification: Likely benign for COL5A1-related condition. Last evaluated: 2023-12-14. Review status: no assertion criteria provided. Collection method: clinical testing. Allele origin: germline. Not counted in ClinVar's aggregate classification.
Comment: This variant is classified as likely benign based on ACMG/AMP sequence variant interpretation guidelines (Richards et al. 2015 PMID: 25741868, with internal and published modifications).

Literature cited by the submitters: PubMed 26608033 (cited by Ambry Genetics).

NM_000093.5(COL5A1):c.4162C>T (p.Pro1388Ser)

Gene: COL5A1 (collagen type V alpha 1 chain; plus strand). Cytogenetic location: 9q34.3.
Variant type: single nucleotide variant.
Coding change: c.4162C>T on transcript NM_000093.5 (MANE Select); coding-DNA position 4162, C replaced by T.
Protein change: p.Pro1388Ser; replaces proline 1388 with serine.
Molecular consequence: missense variant.
Genome position (GRCh38, 1-based): chr9:134,817,065, C>T. VCF-style: chr9-134817065-C-T. GRCh37 (hg19) VCF-style: chr9-137708911-C-T.
Other names: p.P1388S:CCT>TCT; c.4162C>T, p.Pro1388Ser (NM_001278074.1); short protein forms P1388S.
Identifiers: ClinVar variation 212972 (VCV000212972.24), dbSNP rs61737942, ClinGen allele CA324665.